The following is an entry in ClinVar:

ClinVar aggregate classification (germline): Uncertain significance (1 of 4 stars; one submission).

Submission:

GeneDx
Classification: Uncertain significance. Last evaluated: 2026-03-04. Review status: criteria provided, single submitter. Criteria: GeneDx Variant Classification Process June 2021. Collection method: clinical testing. Allele origin: germline.
Comment: Not observed at significant frequency in large population cohorts (gnomAD); Has not been previously published as pathogenic or benign to our knowledge; In silico analysis is inconclusive as to whether the variant alters gene splicing. In the absence of RNA/functional studies, the actual effect of this sequence change is unknown.

NM_003620.4(PPM1D):c.1260+3A>T

Gene: PPM1D (protein phosphatase, Mg2+/Mn2+ dependent 1D; plus strand). Cytogenetic location: 17q23.2.
Variant type: single nucleotide variant.
Coding change: c.1260+3A>T on transcript NM_003620.4 (MANE Select); 3 bases into the intron after coding-DNA position 1260, A replaced by T.
Molecular consequence: intron variant.
Genome position (GRCh38, 1-based): chr17:60,656,844, A>T. VCF-style: chr17-60656844-A-T. GRCh37 (hg19) VCF-style: chr17-58734205-A-T.
Identifiers: ClinVar variation 5008461 (VCV005008461.1).